The following is an entry in ClinVar:

NM_020366.4(RPGRIP1):c.352C>A (p.Arg118Ser)

Gene: RPGRIP1 (RPGR interacting protein 1; plus strand). Cytogenetic location: 14q11.2.
Variant type: single nucleotide variant.
Coding change: c.352C>A on transcript NM_020366.4 (MANE Select); coding-DNA position 352, C replaced by A.
Protein change: p.Arg118Ser; replaces arginine 118 with serine.
Molecular consequence: missense variant.
Genome position (GRCh38, 1-based): chr14:21,301,099, C>A. VCF-style: chr14-21301099-C-A. GRCh37 (hg19) VCF-style: chr14-21769258-C-A.
Other names: short protein forms R118S.
Identifiers: ClinVar variation 2108614 (VCV002108614.4), dbSNP rs1881007221, ClinGen allele CA388858914.

ClinVar aggregate classification (germline): Uncertain significance (1 of 4 stars; one submission).

Conditions:
Leber congenital amaurosis 6 (LCA6). Identifiers: Orphanet 65, MedGen C1854260, MONDO:0013446, OMIM 613826.
Cone-rod dystrophy 13 (CORD13). Identifiers: Orphanet 1872, MedGen C2750720, MONDO:0011987, OMIM 608194.

Submission:

Labcorp Genetics (formerly Invitae), Labcorp
Classification: Uncertain significance for Leber congenital amaurosis 6; Cone-rod dystrophy 13. Last evaluated: 2022-03-10. Review status: criteria provided, single submitter. Criteria: Invitae Variant Classification Sherloc (09022015). Collection method: clinical testing. Allele origin: germline.
Comment: This variant has not been reported in the literature in individuals affected with RPGRIP1-related conditions. In summary, the available evidence is currently insufficient to determine the role of this variant in disease. Therefore, it has been classified as a Variant of Uncertain Significance. Algorithms developed to predict the effect of missense changes on protein structure and function (SIFT, PolyPhen-2, Align-GVGD) all suggest that this variant is likely to be tolerated. This variant is not present in population databases (gnomAD no frequency). This sequence change replaces arginine, which is basic and polar, with serine, which is neutral and polar, at codon 118 of the RPGRIP1 protein (p.Arg118Ser).